The following is an entry in ClinVar:

ClinVar aggregate classification (germline): Uncertain significance (1 of 4 stars; one submission).

Conditions:
Very long chain acyl-CoA dehydrogenase deficiency (ACADVLD). Also called: VLCAD Deficiency; Very Long-Chain Acyl-Coenzyme A Dehydrogenase Deficiency. Identifiers: Orphanet 26793, MedGen C3887523, MONDO:0008723, OMIM 201475.

Allele frequency attached by ClinVar (database versions not stated): gnomAD 0.00001.

Submission:

Labcorp Genetics (formerly Invitae), Labcorp
Classification: Uncertain significance for Very long chain acyl-CoA dehydrogenase deficiency. Last evaluated: 2021-12-18. Review status: criteria provided, single submitter. Criteria: Invitae Variant Classification Sherloc (09022015). Collection method: clinical testing. Allele origin: germline.
Comment: In summary, the available evidence is currently insufficient to determine the role of this variant in disease. Therefore, it has been classified as a Variant of Uncertain Significance. Advanced modeling of protein sequence and biophysical properties (such as structural, functional, and spatial information, amino acid conservation, physicochemical variation, residue mobility, and thermodynamic stability) performed at Invitae indicates that this missense variant is expected to disrupt ACADVL protein function. This variant has not been reported in the literature in individuals affected with ACADVL-related conditions. This variant is present in population databases (no rsID available, gnomAD 0.007%). This sequence change replaces glycine, which is neutral and non-polar, with aspartic acid, which is acidic and polar, at codon 350 of the ACADVL protein (p.Gly350Asp).

NM_000018.4(ACADVL):c.1049G>A (p.Gly350Asp)

Gene: ACADVL (acyl-CoA dehydrogenase very long chain; plus strand). Cytogenetic location: 17p13.1.
Variant type: single nucleotide variant.
Coding change: c.1049G>A on transcript NM_000018.4 (MANE Select); coding-DNA position 1049, G replaced by A.
Protein change: p.Gly350Asp; replaces glycine 350 with aspartic acid.
Molecular consequence: missense variant.
Genome position (GRCh38, 1-based): chr17:7,222,837, G>A. VCF-style: chr17-7222837-G-A. GRCh37 (hg19) VCF-style: chr17-7126156-G-A.
Other names: c.983G>A, p.Gly328Asp (NM_001033859.3); c.1118G>A, p.Gly373Asp (NM_001270447.2); c.821G>A, p.Gly274Asp (NM_001270448.2); short protein forms G373D, G350D, G328D, G274D.
Identifiers: ClinVar variation 2047038 (VCV002047038.4), dbSNP rs1343647718, ClinGen allele CA397724238.